The following is an entry in ClinVar:

GRCh38/hg38 4q35.1(chr4:182915444-183265722)x3

Genes: DCTD (dCMP deaminase; minus strand), WWC2 (WW and C2 domain containing 2; plus strand), WWC2-AS1 (WWC2 antisense RNA 1; minus strand), WWC2-AS2 (WWC2 antisense RNA 2; minus strand), LOC112939927 (Sharpr-MPRA regulatory region 3150; plus strand) and 10 more. Cytogenetic location: 4q35.1.
Variant type: copy number gain.
Change: copy number 3 (three copies instead of two) of chr4:182,915,444-183,265,722 (350.3 kb, GRCh38 coordinates, 1-based), cytogenetic band 4q35.1.
Identifiers: ClinVar variation 59778 (VCV000059778.1).

ClinVar aggregate classification (germline): Benign (1 of 4 stars; one submission).

Submission:

ISCA site 15
Classification: Benign. Last evaluated: 2011-08-12. Review status: criteria provided, single submitter. Criteria: Kaminsky et al. (Genet Med. 2011). Collection method: clinical testing. Allele origin: paternal. Affected: yes. Observed: 1 variant allele.
Comment: Copy number variation identified through the course of routine clinical cytogenomic testing in postnatal populations. Clinical assertions have been curated as described in Kaminsky et al. 2011.